The following is an entry in ClinVar:

ClinVar aggregate classification (germline): Uncertain significance (1 of 4 stars; one submission).

Conditions:
Inborn genetic diseases. Identifiers: MedGen C0950123, MeSH D030342.

Submission:

Ambry Genetics
Classification: Uncertain significance for Inborn genetic diseases. Last evaluated: 2024-06-18. Review status: criteria provided, single submitter. Criteria: Ambry Variant Classification Scheme 2023. Collection method: clinical testing. Allele origin: germline.
Comment: The p.C1430R variant (also known as c.4288T>C), located in coding exon 24 of the ATR gene, results from a T to C substitution at nucleotide position 4288. The cysteine at codon 1430 is replaced by arginine, an amino acid with highly dissimilar properties. This amino acid position is conserved. In addition, the in silico prediction for this alteration is inconclusive. Based on the available evidence, the clinical significance of this variant remains unclear.

NM_001184.4(ATR):c.4288T>C (p.Cys1430Arg)

Gene: ATR (ATR serine/threonine kinase; minus strand). Cytogenetic location: 3q23.
Variant type: single nucleotide variant.
Coding change: c.4288T>C on transcript NM_001184.4 (MANE Select); coding-DNA position 4288, T replaced by C.
Protein change: p.Cys1430Arg; replaces cysteine 1430 with arginine.
Molecular consequence: missense variant.
Genome position (GRCh38, 1-based): chr3:142,519,763, A>G on the plus strand (T>C on the coding strand, the complement: ATR is on the minus strand). VCF-style: chr3-142519763-A-G. GRCh37 (hg19) VCF-style: chr3-142238605-A-G.
Other names: c.4096T>C, p.Cys1366Arg (NM_001354579.2); short protein forms C1430R, C1366R.
Identifiers: ClinVar variation 3332194 (VCV003332194.1).
Genomic context (GRCh38, chr3:142,519,763, plus strand): 5'-CATGCTCAGGAAATCTCCTCCACAATTGGTGACCTGGGCCGTTGGTCTCCATCTCTCTAC[A>G]GTCATAAATAGAAAGCAACTCCTACAAATACATATTTTACATTTGTAAGTCCACAGTGAA-3'
Protein context (NP_001175.2, residues 1420-1440): AIQELLSIYD[Cys1430Arg]REMETNGPGH